The following is an entry in ClinVar:

ClinVar aggregate classification (germline): Uncertain significance. Review status: criteria provided, multiple submitters, no conflicts (2 of 4 stars). 5 submissions from 5 submitters: Uncertain significance (5). Last evaluated 2024-02-16.

Conditions:
Breast and/or ovarian cancer. Identifiers: MedGen CN221562.
Hereditary cancer-predisposing syndrome. Also called: Hereditary neoplastic syndrome; Neoplastic Syndromes, Hereditary; Tumor predisposition; Hereditary Cancer Syndrome. Identifiers: Orphanet 140162, MedGen C0027672, MeSH D009386, MONDO:0015356.
Familial cancer of breast. Also called: Hereditary breast cancer; hereditary breast carcinoma; BREAST CANCER, FAMILIAL. Identifiers: Orphanet 227535, MedGen C0346153, MONDO:0016419, OMIM 114480. Disease mechanism: loss of function.

Submissions (5):

Ambry Genetics
Classification: Uncertain significance for Hereditary cancer-predisposing syndrome. Last evaluated: 2024-02-16. Review status: criteria provided, single submitter. Criteria: Ambry Variant Classification Scheme 2023. Collection method: clinical testing. Allele origin: germline.
Comment: The p.C53G variant (also known as c.157T>G), located in coding exon 1 of the BARD1 gene, results from a T to G substitution at nucleotide position 157. The cysteine at codon 53 is replaced by glycine, an amino acid with highly dissimilar properties. This amino acid position is highly conserved in available vertebrate species. In addition, this alteration is predicted to be deleterious by in silico analysis. Based on the available evidence, the clinical significance of this alteration remains unclear.

Labcorp Genetics (formerly Invitae), Labcorp
Classification: Uncertain significance for Familial cancer of breast. Last evaluated: 2023-10-28. Review status: criteria provided, single submitter. Criteria: Invitae Variant Classification Sherloc (09022015). Collection method: clinical testing. Allele origin: germline.
Comment: This sequence change replaces cysteine, which is neutral and slightly polar, with glycine, which is neutral and non-polar, at codon 53 of the BARD1 protein (p.Cys53Gly). RNA analysis indicates that this missense change induces altered splicing and may result in an absent or disrupted protein product. This variant is not present in population databases (gnomAD no frequency). This variant has not been reported in the literature in individuals affected with BARD1-related conditions. ClinVar contains an entry for this variant (Variation ID: 1320504). An algorithm developed to predict the effect of missense changes on protein structure and function (PolyPhen-2) suggests that this variant is likely to be disruptive. Studies have shown that this missense change results in activation of a cryptic splice site and introduces a premature termination codon (Invitae). The resulting mRNA is expected to undergo nonsense-mediated decay. In summary, the available evidence is currently insufficient to determine the role of this variant in disease. Therefore, it has been classified as a Variant of Uncertain Significance.

Baylor Genetics
Classification: Uncertain significance for Familial cancer of breast. Last evaluated: 2023-03-01. Review status: criteria provided, single submitter. Criteria: ACMG Guidelines, 2015. Collection method: clinical testing. Allele origin: unknown.

CHEO Genetics Diagnostic Laboratory, Children's Hospital of Eastern Ontario
Classification: Uncertain significance for Breast and/or ovarian cancer. Last evaluated: 2022-09-30. Review status: criteria provided, single submitter. Criteria: ACMG Guidelines, 2015. Collection method: clinical testing. Allele origin: germline.

GeneDx
Classification: Uncertain significance. Last evaluated: 2021-03-29. Review status: criteria provided, single submitter. Criteria: GeneDx Variant Classification Process June 2021. Collection method: clinical testing. Allele origin: germline. Affected: yes.
Comment: Not observed in large population cohorts (Lek et al., 2016); In silico analysis supports that this missense variant has a deleterious effect on protein structure/function; Has not been previously published as pathogenic or benign to our knowledge

NM_000465.4(BARD1):c.157T>G (p.Cys53Gly)

Gene: BARD1 (BRCA1 associated RING domain 1; minus strand). Cytogenetic location: 2q35.
Variant type: single nucleotide variant.
Coding change: c.157T>G on transcript NM_000465.4 (MANE Select); coding-DNA position 157, T replaced by G.
Protein change: p.Cys53Gly; replaces cysteine 53 with glycine.
Molecular consequence: missense variant. On other transcripts: non-coding transcript variant (3).
Genome position (GRCh38, 1-based): chr2:214,809,413, A>C on the plus strand (T>G on the coding strand, the complement: BARD1 is on the minus strand). VCF-style: chr2-214809413-A-C. GRCh37 (hg19) VCF-style: chr2-215674137-A-C.
Other names: c.157T>G, p.Cys53Gly (NM_001282543.2, NM_001282545.2, NM_001282548.2 and 1 more transcripts); short protein forms C53G.
Identifiers: ClinVar variation 1320504 (VCV001320504.9), dbSNP rs1354779388, ClinGen allele CA350464693.